The following is an entry in ClinVar:

ClinVar aggregate classification (germline): Conflicting classifications of pathogenicity. Review status: criteria provided, conflicting classifications (1 of 4 stars). 5 submissions from 5 submitters: Uncertain significance (2); Likely benign (3). Last evaluated 2025-06-23.

Conditions:
Autosomal recessive limb-girdle muscular dystrophy type 2J (LGMDR10). Also called: Limb-girdle muscular dystrophy, type 2J; MUSCULAR DYSTROPHY, LIMB-GIRDLE, AUTOSOMAL RECESSIVE 10. Identifiers: Orphanet 140922, MedGen C1837342, MONDO:0012127, OMIM 608807.
Dilated cardiomyopathy 1G (CMD1G). Identifiers: Orphanet 154, MedGen C1858763, MONDO:0011400, OMIM 604145.
TTN-related disorder. Also called: TTN-related condition; TTN-related disease; TTN-related disorders.
Cardiovascular phenotype. Identifiers: MedGen CN230736.

Allele frequency attached by ClinVar (database versions not stated): gnomAD exomes 0.00002 and 0.00003; ExAC 0.00004; TOPMed 0.00007; ESP Exome Variant Server 0.00008; gnomAD 0.00010 and 0.00011; 1000 Genomes Project 30x 0.00031; 1000 Genomes Project 0.00040.
gnomAD v4.1: 42 of 1,613,294 alleles (0.0026%); highest among the groups gnomAD compares: African/African-American, 0.049%; no homozygotes.

Submissions (5):

PreventionGenetics, part of Exact Sciences
Classification: Uncertain significance for TTN-related condition. Last evaluated: 2025-06-23. Review status: criteria provided, single submitter. Criteria: ACMG Guidelines, 2015. Collection method: clinical testing. Allele origin: germline.
Comment: The TTN c.100058T>C variant is predicted to result in the amino acid substitution p.Ile33353Thr. To our knowledge, this variant has not been reported in the literature. This variant is reported in 0.046% of alleles in individuals of African descent in gnomAD. At this time, the clinical significance of this variant is uncertain due to the absence of conclusive functional and genetic evidence.

Molecular Diagnostic Laboratory for Inherited Cardiovascular Disease, Montreal Heart Institute
Classification: Likely benign. Last evaluated: 2025-04-09. Review status: criteria provided, single submitter. Criteria: ACMG Guidelines, 2015. Collection method: clinical testing. Allele origin: germline. Affected: no.
Comment: BP1

Ambry Genetics
Classification: Likely benign for Cardiovascular phenotype. Last evaluated: 2021-09-27. Review status: criteria provided, single submitter. Criteria: Ambry Variant Classification Scheme 2023. Collection method: clinical testing. Allele origin: germline.

GeneDx
Classification: Likely benign. Last evaluated: 2021-03-24. Review status: criteria provided, single submitter. Criteria: GeneDx Variant Classification Process June 2021. Collection method: clinical testing. Allele origin: germline. Affected: yes.

Labcorp Genetics (formerly Invitae), Labcorp
Classification: Uncertain significance for Dilated cardiomyopathy 1G; Autosomal recessive limb-girdle muscular dystrophy type 2J. Last evaluated: 2017-11-03. Review status: criteria provided, single submitter. Criteria: Invitae Variant Classification Sherloc (09022015). Collection method: clinical testing. Allele origin: germline.

NM_001267550.2(TTN):c.100058T>C (p.Ile33353Thr)

Genes: TTN (titin; minus strand), TTN-AS1 (TTN antisense RNA 1; plus strand), LOC126806420 (BRD4-independent group 4 enhancer GRCh37_chr2:179401104-179402303; plus strand). Cytogenetic location: 2q31.2.
Variant type: single nucleotide variant.
Coding change: c.100058T>C on transcript NM_001267550.2 (MANE Select); coding-DNA position 100058, T replaced by C.
Protein change: p.Ile33353Thr; replaces isoleucine 33353 with threonine.
Molecular consequence: missense variant.
Genome position (GRCh38, 1-based): chr2:178,537,051, A>G on the plus strand (T>C on the coding strand, the complement: TTN is on the minus strand). VCF-style: chr2-178537051-A-G. GRCh37 (hg19) VCF-style: chr2-179401778-A-G.
Other names: c.95135T>C, p.Ile31712Thr (NM_001256850.1); c.72863T>C, p.Ile24288Thr (NM_003319.4); c.92354T>C, p.Ile30785Thr (NM_133378.4); c.73238T>C, p.Ile24413Thr (NM_133432.3); c.73439T>C, p.Ile24480Thr (NM_133437.4); short protein forms I24288T, I33353T, I24480T, I30785T, I24413T, I31712T.
Identifiers: ClinVar variation 518891 (VCV000518891.11), dbSNP rs138234724, ClinGen allele CA1986083.
Genomic context (GRCh38, chr2:178,537,051, plus strand): 5'-CCGAAAGTGTTCTGAGCTGAAACCCGGAAGTAATAGCCAGCATTTTCTGTGAGGTTCACA[A>G]TTCTACAGGTTGTCACTGAGATGGCTGAAGACACCAATTGCCATTCAGCCCCCTCCTTGG-3'
Protein context (NP_001254479.2, residues 33343-33363): SSAISVTTCR[Ile33353Thr]VNLTENAGYY